The following is an entry in ClinVar:

ClinVar aggregate classification (germline): Uncertain significance (1 of 4 stars; one submission).

Conditions:
Inborn genetic diseases. Identifiers: MedGen C0950123, MeSH D030342.

Submission:

Ambry Genetics
Classification: Uncertain significance for Inborn genetic diseases. Last evaluated: 2025-03-25. Review status: criteria provided, single submitter. Criteria: Ambry Variant Classification Scheme 2023. Collection method: clinical testing. Allele origin: germline.
Comment: The p.L586V variant (also known as c.1756C>G), located in coding exon 13 of the FANCG gene, results from a C to G substitution at nucleotide position 1756. The leucine at codon 586 is replaced by valine, an amino acid with highly similar properties. This amino acid position is conserved. In addition, this alteration is predicted to be tolerated by in silico analysis. Based on the available evidence, the clinical significance of this variant remains unclear.

NM_004629.2(FANCG):c.1756C>G (p.Leu586Val)

Gene: FANCG (FA complementation group G; minus strand). Cytogenetic location: 9p13.3.
Variant type: single nucleotide variant.
Coding change: c.1756C>G on transcript NM_004629.2 (MANE Select); coding-DNA position 1756, C replaced by G.
Protein change: p.Leu586Val; replaces leucine 586 with valine.
Molecular consequence: missense variant.
Genome position (GRCh38, 1-based): chr9:35,074,375, G>C on the plus strand (C>G on the coding strand, the complement: FANCG is on the minus strand). VCF-style: chr9-35074375-G-C. GRCh37 (hg19) VCF-style: chr9-35074372-G-C.
Other names: short protein forms L586V.
Identifiers: ClinVar variation 4022463 (VCV004022463.1).